The following is an entry in ClinVar:

ClinVar aggregate classification (germline): Likely benign (1 of 4 stars; one submission).

gnomAD v4.1: 41 of 152,332 alleles (0.027%); highest among the groups gnomAD compares: Middle Eastern, 1%; no homozygotes.

Submission:

CeGaT Center for Human Genetics Tuebingen
Classification: Likely benign. Last evaluated: 2025-10-01. Review status: criteria provided, single submitter. Criteria: CeGaT Center For Human Genetics Tuebingen Variant Classification Criteria Version 2. Collection method: clinical testing. Allele origin: germline. Affected: yes. Observed: 1 variant allele.
Comment: ADA: BP4, BP7

NM_000022.4(ADA):c.33+394G>A

Genes: ADA (adenosine deaminase; minus strand), LOC107303343 (adenosine deaminase intronic regulatory elements; plus strand). Cytogenetic location: 20q13.12.
Variant type: single nucleotide variant.
Coding change: c.33+394G>A on transcript NM_000022.4 (MANE Select); 394 bases into the intron after coding-DNA position 33, G replaced by A.
Molecular consequence: intron variant.
Genome position (GRCh38, 1-based): chr20:44,651,181, C>T on the plus strand (G>A on the coding strand, the complement: ADA is on the minus strand). VCF-style: chr20-44651181-C-T. GRCh37 (hg19) VCF-style: chr20-43279822-C-T.
Other names: c.-257+394G>A (NM_001322050.2); c.33+394G>A (NM_001322051.2).
Identifiers: ClinVar variation 4533704 (VCV004533704.6).